The following is an entry in ClinVar:

ClinVar aggregate classification (germline): Likely benign. Review status: criteria provided, multiple submitters, no conflicts (2 of 4 stars). 3 submissions from 3 submitters: Likely benign (3). Last evaluated 2024-06-26.

Conditions:
Cardiovascular phenotype. Identifiers: MedGen CN230736.
DK1-congenital disorder of glycosylation. Also called: DK1-CDG; CONGENITAL DISORDER OF GLYCOSYLATION, TYPE Im; CDG Im; DK1 DEFICIENCY; DOLICHOL KINASE DEFICIENCY; DOLK-congenital disorder of glycosylation. Identifiers: Orphanet 91131, MedGen C1835849, MONDO:0012556, OMIM 610768.

Allele frequency attached by ClinVar (database versions not stated): gnomAD exomes below 0.00001.
gnomAD v4.1: 7 of 1,611,024 alleles (0.00043%); highest among the groups gnomAD compares: East Asian, 0.0022%; no homozygotes.

Submissions (3):

Ambry Genetics
Classification: Likely benign for Cardiovascular phenotype. Last evaluated: 2024-06-26. Review status: criteria provided, single submitter. Criteria: Ambry Variant Classification Scheme 2023. Collection method: clinical testing. Allele origin: germline.

Labcorp Genetics (formerly Invitae), Labcorp
Classification: Likely benign for DK1-congenital disorder of glycosylation. Last evaluated: 2024-05-31. Review status: criteria provided, single submitter. Criteria: Invitae Variant Classification Sherloc (09022015). Collection method: clinical testing. Allele origin: germline.

Laboratory for Molecular Medicine, Mass General Brigham Personalized Medicine
Classification: Likely benign. Last evaluated: 2015-12-18. Review status: criteria provided, single submitter. Criteria: LMM Criteria. Collection method: clinical testing. Allele origin: germline. Observed: 1 variant allele.
Comment: p.Arg98Arg in exon 1 of DOLK: This variant is not expected to have clinical sign ificance because it does not alter an amino acid residue and is not located with in the splice consensus sequence.

NM_014908.4(DOLK):c.294G>A (p.Arg98=)

Gene: DOLK (dolichol kinase; minus strand). Cytogenetic location: 9q34.11.
Variant type: single nucleotide variant.
Coding change: c.294G>A on transcript NM_014908.4 (MANE Select); coding-DNA position 294, G replaced by A.
Protein change: p.Arg98=; no amino-acid change (arginine 98 retained).
Molecular consequence: synonymous variant.
Genome position (GRCh38, 1-based): chr9:128,947,010, C>T on the plus strand (G>A on the coding strand, the complement: DOLK is on the minus strand). VCF-style: chr9-128947010-C-T. GRCh37 (hg19) VCF-style: chr9-131709289-C-T.
Identifiers: ClinVar variation 227335 (VCV000227335.13), dbSNP rs876657456, ClinGen allele CA10576745.
Genomic context (GRCh38, chr9:128,947,010, plus strand): 5'-GCCAGTGGCTGCCACCACAATGCCAAAACGCTCAAAGAACGGGTTCCCAGCAGTCTGGCA[C>T]CGCTCCTTCATGACTAGTCCAAGCAAAGGCATGACCATGGAGGCGGGCAATAGGCCACTG-3'
Protein context (NP_055723.1, residues 88-108): MPLLGLVMKE[Arg98=]CQTAGNPFFE